The following is an entry in ClinVar:

NM_001378615.1(CC2D2A):c.3008A>G (p.Asn1003Ser)

Genes: CC2D2A (coiled-coil and C2 domain containing 2A; plus strand), FBXL5 (F-box and leucine rich repeat protein 5; minus strand). Cytogenetic location: 4p15.32.
Variant type: single nucleotide variant.
Coding change: c.3008A>G on transcript NM_001378615.1 (MANE Select); coding-DNA position 3008, A replaced by G.
Protein change: p.Asn1003Ser; replaces asparagine 1003 with serine.
Molecular consequence: missense variant.
Genome position (GRCh38, 1-based): chr4:15,560,616, A>G. VCF-style: chr4-15560616-A-G. GRCh37 (hg19) VCF-style: chr4-15562239-A-G.
Other names: c.3008A>G, p.Asn1003Ser (NM_001080522.2); c.2861A>G, p.Asn954Ser (NM_001378617.1); short protein forms N1003S, N954S.
Identifiers: ClinVar variation 501159 (VCV000501159.10), dbSNP rs376663620, ClinGen allele CA2864048.
Genomic context (GRCh38, chr4:15,560,616, plus strand): 5'-TCTTAATTGCAAAACAATATTTTCTTCTTGCTGATATGATAGTAGAAGAAGAAGTTCCCA[A>G]TATCAGGTAAAAATAATCAAAGCCATTATTATCAATTCTTATAAAAATTATTATTTATAC-3'
Protein context (NP_001365544.1, residues 993-1013): ADMIVEEEVP[Asn1003Ser]ISILGLSLFK

ClinVar aggregate classification (germline): Uncertain significance. Review status: criteria provided, multiple submitters, no conflicts (2 of 4 stars). 2 submissions from 2 submitters: Uncertain significance (2). Last evaluated 2022-10-05.

Conditions:
Meckel-Gruber syndrome. Also called: Dysencephalia splachnocystica; DYSENCEPHALIA SPLANCHNOCYSTICA; GRUBER SYNDROME. Identifiers: Orphanet 564, MedGen C0265215, MONDO:0018921.
Joubert syndrome. Also called: JOUBERT-BOLTSHAUSER SYNDROME; Familial aplasia of the vermis. Identifiers: Orphanet 475, MedGen C5979921, MONDO:0018772.

Allele frequency attached by ClinVar (database versions not stated): gnomAD 0.00001; gnomAD exomes 0.00001 and 0.00002; TOPMed 0.00001; ExAC 0.00004; ESP Exome Variant Server 0.00009.
gnomAD v4.1: 16 of 1,348,526 alleles (0.0012%); highest among the groups gnomAD compares: Admixed American, 0.002%; no homozygotes.

Submissions (2):

Labcorp Genetics (formerly Invitae), Labcorp
Classification: Uncertain significance for Joubert syndrome; Meckel-Gruber syndrome. Last evaluated: 2022-10-05. Review status: criteria provided, single submitter. Criteria: Invitae Variant Classification Sherloc (09022015). Collection method: clinical testing. Allele origin: germline.
Comment: This sequence change replaces asparagine, which is neutral and polar, with serine, which is neutral and polar, at codon 1003 of the CC2D2A protein (p.Asn1003Ser). This variant is present in population databases (rs376663620, gnomAD 0.005%). This variant has not been reported in the literature in individuals affected with CC2D2A-related conditions. ClinVar contains an entry for this variant (Variation ID: 501159). Advanced modeling of protein sequence and biophysical properties (such as structural, functional, and spatial information, amino acid conservation, physicochemical variation, residue mobility, and thermodynamic stability) performed at Invitae indicates that this missense variant is not expected to disrupt CC2D2A protein function. In summary, the available evidence is currently insufficient to determine the role of this variant in disease. Therefore, it has been classified as a Variant of Uncertain Significance.

Eurofins Ntd Llc (ga)
Classification: Uncertain significance. Last evaluated: 2017-03-30. Review status: criteria provided, single submitter. Criteria: EGL Classification Definitions 2015. Collection method: clinical testing. Allele origin: germline. Observed: 1 variant allele, 1 heterozygote.